The following is an entry in ClinVar:

ClinVar aggregate classification (germline): Pathogenic (1 of 4 stars; one submission).

Conditions:
Autosomal dominant intellectual disability-craniofacial anomalies-cardiac defects syndrome (ARTHS). Also called: Arboleda-Tham syndrome; Mental retardation, autosomal dominant 32; KAT6A syndrome. Identifiers: Orphanet 457193, MedGen C4225396, MONDO:0014558, OMIM 616268.

Submission:

Gansu Provincial Maternity and Child Care Hospital
Classification: Pathogenic for Autosomal dominant intellectual disability-craniofacial anomalies-cardiac defects syndrome. Last evaluated: 2026-06-02. Review status: criteria provided, single submitter. Criteria: ACMG Guidelines, 2015. Collection method: clinical testing. Allele origin: de novo. Inheritance: Autosomal dominant inheritance. Affected: yes.
Comment: The c.3068dupT variant is a frameshift variant that leads to premature termination of translation (PVS1). Parental verification confirmed it as a de novo variant (PS2). This site is not recorded in the gnomAD database (PM2_supporting).This variant is classified as pathogenic.

NM_006766.5(KAT6A):c.3068dup (p.Arg1024fs)

Gene: KAT6A (lysine acetyltransferase 6A; minus strand). Cytogenetic location: 8p11.21.
Variant type: Duplication.
Coding change: c.3068dup on transcript NM_006766.5 (MANE Select); coding-DNA position 3068, one base duplicated (T; older notation c.3068dupT).
Protein change: p.Arg1024fs; shifts the reading frame from arginine 1024.
Molecular consequence: frameshift variant.
Genome position (GRCh38, 1-based): chr8:41,937,540, A duplicated on the plus strand (T on the coding strand, the reverse complement: KAT6A is on the minus strand). VCF-style (leftmost placement, unchanged base first): chr8-41937539-G-GA. GRCh37 (hg19) VCF-style: chr8-41795057-G-GA.
Other names: c.3068dupT (NM_006766.5); short protein forms R1024fs.
Identifiers: ClinVar variation 4856395 (VCV004856395.1).
Genomic context (GRCh38, chr8:41,937,539, plus strand): 5'-TTCAGTGGTCTCAGAAATAGTTTCTGTGACTACACTGCTATTGTGGTGTTTGCGCTTTCG[G>GA]ACTCTCCTCCTTCGGTGGAGAAATGGTTTCTGTTTAATAGAGAAAGCAAGTATTTACAGT-3'